The following is an entry in ClinVar:

ClinVar aggregate classification (germline): Conflicting classifications of pathogenicity. Review status: criteria provided, conflicting classifications (1 of 4 stars). 4 submissions from 2 submitters: Uncertain significance (3); Benign (1). Last evaluated 2023-04-19.

Conditions:
Inborn genetic diseases. Identifiers: MedGen C0950123, MeSH D030342.
Corticosterone methyloxidase type 2 deficiency. Also called: 18-OXIDASE DEFICIENCY; ALDOSTERONE DEFICIENCY DUE TO DEFICIENCY OF STEROID 18-OXIDASE; ALDOSTERONE DEFICIENCY II; CMO II DEFICIENCY; STEROID 18-OXIDASE DEFICIENCY. Identifiers: Orphanet 427, MedGen C3463917, MONDO:0012524, OMIM 610600. Disease mechanism: loss of function.
Glucocorticoid-remediable aldosteronism. Also called: Hyperaldosteronism, familial, type I; ACTH-DEPENDENT HYPERALDOSTERONISM SYNDROME; ALDOSTERONISM, SENSITIVE TO DEXAMETHASONE; FH I; GLUCOCORTICOID-SUPPRESSIBLE HYPERALDOSTERONISM. Identifiers: Orphanet 403, MedGen C3838731, MONDO:0007080, OMIM 103900.
Corticosterone 18-monooxygenase deficiency. Also called: ALDOSTERONE DEFICIENCY DUE TO DEFECT IN STEROID 18-HYDROXYLASE; ALDOSTERONE DEFICIENCY I; CMO I DEFICIENCY; STEROID 18-HYDROXYLASE DEFICIENCY; 18 Hydroxylase deficiency; Aldosterone deficiency due to defect in 18 hydroxylase. Identifiers: Orphanet 427, MedGen C0268293, MONDO:0008751, OMIM 203400. Disease mechanism: loss of function.

Allele frequency attached by ClinVar (database versions not stated): gnomAD 0.00001; gnomAD exomes 0.00002; TOPMed 0.00002; ExAC 0.00003.
gnomAD v4.1: 31 of 1,613,814 alleles (0.0019%); highest among the groups gnomAD compares: African/African-American, 0.011%; no homozygotes.

Submissions (4):

Ambry Genetics
Classification: Uncertain significance for Inborn genetic diseases. Last evaluated: 2023-04-19. Review status: criteria provided, single submitter. Criteria: Ambry Variant Classification Scheme 2023. Collection method: clinical testing. Allele origin: germline.

Illumina Laboratory Services, Illumina
Classification: Benign for Hyperaldosteronism, familial, type I. Last evaluated: 2018-01-13. Review status: criteria provided, single submitter. Criteria: ICSL Variant Classification Criteria 13 December 2019. Collection method: clinical testing. Allele origin: germline.
Comment: This variant was observed in the ICSL laboratory as part of a predisposition screen in an ostensibly healthy population. It had not been previously curated by ICSL or reported in the Human Gene Mutation Database (HGMD: prior to June 1st, 2018), and was therefore a candidate for classification through an automated scoring system. Utilizing variant allele frequency, disease prevalence and penetrance estimates, and inheritance mode, an automated score was calculated to assess if this variant is too frequent to cause the disease. Based on the score and internal cut-off values, a variant classified as benign is not then subjected to further curation. The score for this variant resulted in a classification of benign for this disease.

Illumina Laboratory Services, Illumina
Classification: Uncertain significance for Corticosterone methyloxidase type 2 deficiency. Last evaluated: 2018-01-13. Review status: criteria provided, single submitter. Criteria: ICSL Variant Classification Criteria 13 December 2019. Collection method: clinical testing. Allele origin: germline.

Illumina Laboratory Services, Illumina
Classification: Uncertain significance for Corticosterone 18-monooxygenase deficiency. Last evaluated: 2018-01-13. Review status: criteria provided, single submitter. Criteria: ICSL Variant Classification Criteria 13 December 2019. Collection method: clinical testing. Allele origin: germline.

NM_000498.3(CYP11B2):c.1039G>A (p.Ala347Thr)

Genes: CYP11B2 (cytochrome P450 family 11 subfamily B member 2; minus strand), LOC106799834 (CYP11B2 recombination region; plus strand). Cytogenetic location: 8q24.3.
Variant type: single nucleotide variant.
Coding change: c.1039G>A on transcript NM_000498.3 (MANE Select); coding-DNA position 1039, G replaced by A.
Protein change: p.Ala347Thr; replaces alanine 347 with threonine.
Molecular consequence: missense variant.
Genome position (GRCh38, 1-based): chr8:142,913,367, C>T on the plus strand (G>A on the coding strand, the complement: CYP11B2 is on the minus strand). VCF-style: chr8-142913367-C-T. GRCh37 (hg19) VCF-style: chr8-143994783-C-T.
Other names: short protein forms A347T.
Identifiers: ClinVar variation 362199 (VCV000362199.7), dbSNP rs746708275, ClinGen allele CA4905958.
Genomic context (GRCh38, chr8:142,913,367, plus strand): 5'-CCCGCAGCAAGGGCAGCTCGGTGGTTGCCTTCTGGGGATGTTCACTGATGCTGGCTGCGG[C>T]GGCCAGGCTCTCCTGGCGCAGGATCTGCTGCACGTCGGGGTTCCGAGCCAGCTCAAAGAG-3'
Protein context (NP_000489.3, residues 337-357): QQILRQESLA[Ala347Thr]AASISEHPQK